The following is an entry in ClinVar:

NM_005670.4(EPM2A):c.222C>G (p.Asp74Glu)

Genes: EPM2A (EPM2A glucan phosphatase, laforin; minus strand), EPM2A-DT (EPM2A divergent transcript; plus strand), LOC129997381 (ATAC-STARR-seq lymphoblastoid silent region 17642; plus strand). Cytogenetic location: 6q24.3.
Variant type: single nucleotide variant.
Coding change: c.222C>G on transcript NM_005670.4 (MANE Select); coding-DNA position 222, C replaced by G.
Protein change: p.Asp74Glu; replaces aspartic acid 74 with glutamic acid.
Molecular consequence: missense variant. On other transcripts: 5 prime UTR variant (3), intron variant (1).
Genome position (GRCh38, 1-based): chr6:145,735,277, G>C on the plus strand (C>G on the coding strand, the complement: EPM2A is on the minus strand). VCF-style: chr6-145735277-G-C. GRCh37 (hg19) VCF-style: chr6-146056413-G-C.
Other names: c.222C>G, p.Asp74Glu (NM_001018041.2, NM_001360057.2, NM_001368130.1); c.-448C>G (NM_001360071.2); c.-402C>G (NM_001368129.2); c.-146C>G (NM_001368131.1); c.-114+631C>G (NM_001360064.2); short protein forms D74E.
Identifiers: ClinVar variation 1037355 (VCV001037355.7), dbSNP rs748273406, ClinGen allele CA4035235.

ClinVar aggregate classification (germline): Uncertain significance (1 of 4 stars; one submission).

Conditions:
Progressive myoclonic epilepsy. Also called: Myoclonus epilepsy; Progressive myoclonus epilepsy; Familial progressive myoclonic epilepsy; Myoclonic Epilepsies, Progressive. Identifiers: Orphanet 308, Orphanet 98261, MedGen C0751778, MONDO:0020074.

Allele frequency attached by ClinVar (database versions not stated): ExAC below 0.00001; TOPMed below 0.00001; gnomAD exomes 0.00008.
gnomAD v4.1: 10 of 1,500,108 alleles (0.00067%); highest among the groups gnomAD compares: Admixed American, 0.021%; 1 homozygote.

Submission:

Labcorp Genetics (formerly Invitae), Labcorp
Classification: Uncertain significance for Progressive myoclonic epilepsy. Last evaluated: 2024-10-15. Review status: criteria provided, single submitter. Criteria: Invitae Variant Classification Sherloc (09022015). Collection method: clinical testing. Allele origin: germline.
Comment: This sequence change replaces aspartic acid, which is acidic and polar, with glutamic acid, which is acidic and polar, at codon 74 of the EPM2A protein (p.Asp74Glu). This variant is present in population databases (rs748273406, gnomAD 0.03%), including at least one homozygous and/or hemizygous individual. This variant has not been reported in the literature in individuals affected with EPM2A-related conditions. ClinVar contains an entry for this variant (Variation ID: 1037355). An algorithm developed to predict the effect of missense changes on protein structure and function (PolyPhen-2) suggests that this variant¬†is likely to be tolerated. In summary, the available evidence is currently insufficient to determine the role of this variant in disease. Therefore, it has been classified as a Variant of Uncertain Significance.